The following is an entry in ClinVar:

ClinVar aggregate classification (germline): Uncertain significance. Review status: criteria provided, multiple submitters, no conflicts (2 of 4 stars). 2 submissions from 2 submitters: Uncertain significance (2). Last evaluated 2020-12-18.

Conditions:
Developmental regression. Also called: C1836830. Identifiers: MedGen C1836830, HP:0002376.
Global developmental delay (DD). Also called: Cognitive delay. Identifiers: MedGen C0557874, HP:0001263. Disease mechanism: loss of function.
Leukoencephalopathy. Identifiers: MedGen C0270612, HP:0002352.
Leukoencephalopathy, developmental delay, and episodic neurologic regression syndrome. Also called: LEUDEN SYNDROME. Identifiers: MedGen C5394367, MONDO:0030035, OMIM 618877.

Submissions (2):

SIB Swiss Institute of Bioinformatics
Classification: Uncertain significance for Leukoencephalopathy, developmental delay, and episodic neurologic regression syndrome. Last evaluated: 2020-12-18. Review status: criteria provided, single submitter. Criteria: ACMG Guidelines, 2015. Collection method: curation. Allele origin: unknown.
Comment: This variant is interpreted as a variant of uncertain significance for Leukoencephalopathy, developmental delay, and episodic neurologic regression syndrome, autosomal dominant The following ACMG Tag(s) were applied: Absent from controls (or at extremely low frequency if recessive) in Exome Sequencing Project, 1000 Genomes Project, or Exome Aggregation Consortium (PM2); de novo variant (PS2 downgraded to moderate); Multiple lines of computational evidence suggest no impact on gene or gene product (BP4).

Baylor Genetics
Classification: Uncertain significance for Global developmental delay; Leukoencephalopathy; Developmental regression. Last evaluated: 2018-08-22. Review status: criteria provided, single submitter. Criteria: ACMG Guidelines, 2015. Collection method: clinical testing. Allele origin: de novo. Inheritance: Autosomal dominant inheritance. Affected: yes. Observed: 1 heterozygote.
Comment: Functional studies demonstrate this variant impairs kinase activity of EIF2AK2.

Literature cited by the submitters: PubMed 32197074 (cited by SIB Swiss Institute of Bioinformatics).

NM_001135651.3(EIF2AK2):c.326C>T (p.Ala109Val)

Gene: EIF2AK2 (eukaryotic translation initiation factor 2 alpha kinase 2; minus strand). Cytogenetic location: 2p22.2.
Variant type: single nucleotide variant.
Coding change: c.326C>T on transcript NM_001135651.3 (MANE Select); coding-DNA position 326, C replaced by T.
Protein change: p.Ala109Val; replaces alanine 109 with valine.
Molecular consequence: missense variant.
Genome position (GRCh38, 1-based): chr2:37,141,616, G>A on the plus strand (C>T on the coding strand, the complement: EIF2AK2 is on the minus strand). VCF-style: chr2-37141616-G-A. GRCh37 (hg19) VCF-style: chr2-37368759-G-A.
Other names: c.326C>T, p.Ala109Val (NM_001135652.3, NM_002759.4); short protein forms A109V.
Identifiers: ClinVar variation 813274 (VCV000813274.3), dbSNP rs1573031858, ClinGen allele CA346319964.